The following is an entry in ClinVar:

NM_000487.6(ARSA):c.135C>G (p.Ser45Arg)

Gene: ARSA (arylsulfatase A; minus strand). Cytogenetic location: 22q13.33.
Variant type: single nucleotide variant.
Coding change: c.135C>G on transcript NM_000487.6 (MANE Select); coding-DNA position 135, C replaced by G.
Protein change: p.Ser45Arg; replaces serine 45 with arginine.
Molecular consequence: missense variant. On other transcripts: intron variant (2).
Genome position (GRCh38, 1-based): chr22:50,627,645, G>C on the plus strand (C>G on the coding strand, the complement: ARSA is on the minus strand). VCF-style: chr22-50627645-G-C. GRCh37 (hg19) VCF-style: chr22-51066073-G-C.
Other names: c.-34-239C>G (NM_001362782.2, NM_001085428.3); c.135C>G, p.Ser45Arg (NM_001085425.3, NM_001085426.3, NM_001085427.3); short protein forms S45R.
Identifiers: ClinVar variation 2847035 (VCV002847035.3), dbSNP rs375493957, ClinGen allele CA412182777.

ClinVar aggregate classification (germline): Likely pathogenic (1 of 4 stars; one submission).

Conditions:
Metachromatic leukodystrophy (MLD). Also called: Cerebral sclerosis diffuse metachromatic form; Arylsulfatase A Deficiency; ARSA DEFICIENCY; CEREBROSIDE SULFATASE DEFICIENCY; METACHROMATIC LEUKOENCEPHALOPATHY; SULFATIDE LIPIDOSIS. Identifiers: Orphanet 512, MedGen C0023522, MONDO:0018868, OMIM 250100.

Submission:

Labcorp Genetics (formerly Invitae), Labcorp
Classification: Likely pathogenic for Metachromatic leukodystrophy. Last evaluated: 2023-03-18. Review status: criteria provided, single submitter. Criteria: Invitae Variant Classification Sherloc (09022015). Collection method: clinical testing. Allele origin: germline.
Comment: This variant is not present in population databases (gnomAD no frequency). This sequence change replaces serine, which is neutral and polar, with arginine, which is basic and polar, at codon 45 of the ARSA protein (p.Ser45Arg). This missense change has been observed in individual(s) with clinical features of metachromatic leukodystrophy (PMID: 12809637). This variant is also known as S43R. Advanced modeling of protein sequence and biophysical properties (such as structural, functional, and spatial information, amino acid conservation, physicochemical variation, residue mobility, and thermodynamic stability) performed at Invitae indicates that this missense variant is expected to disrupt ARSA protein function. In summary, the currently available evidence indicates that the variant is pathogenic, but additional data are needed to prove that conclusively. Therefore, this variant has been classified as Likely Pathogenic.

Literature cited by the submitters: PubMed 12809637.